The following is an entry in ClinVar:

NM_000138.5(FBN1):c.1373A>G (p.Tyr458Cys)

Gene: FBN1 (fibrillin 1; minus strand). Cytogenetic location: 15q21.1.
Variant type: single nucleotide variant.
Coding change: c.1373A>G on transcript NM_000138.5 (MANE Select); coding-DNA position 1373, A replaced by G.
Protein change: p.Tyr458Cys; replaces tyrosine 458 with cysteine.
Molecular consequence: missense variant.
Genome position (GRCh38, 1-based): chr15:48,515,482, T>C on the plus strand (A>G on the coding strand, the complement: FBN1 is on the minus strand). VCF-style: chr15-48515482-T-C. GRCh37 (hg19) VCF-style: chr15-48807679-T-C.
Other names: short protein forms Y458C.
Identifiers: ClinVar variation 570815 (VCV000570815.17), dbSNP rs749133312, ClinGen allele CA044542.

ClinVar aggregate classification (germline): Conflicting classifications of pathogenicity. Review status: criteria provided, conflicting classifications (1 of 4 stars). 5 submissions from 5 submitters: Uncertain significance (4); Likely benign (1). Last evaluated 2025-05-13.

Conditions:
Marfan syndrome (MFS). Also called: FBN1-Related Marfan Syndrome; Marfan syndrome type 1; Marfan's syndrome; Marfan syndrome, classic; MARFAN SYNDROME, TYPE I. Identifiers: Orphanet 284963, Orphanet 558, MedGen C0024796, MONDO:0007947, OMIM 154700.
Familial thoracic aortic aneurysm and aortic dissection (TAAD). Also called: Thoracic aortic aneurysms and dissections. Identifiers: Orphanet 91387, MedGen C4707243, MONDO:0019625.
Stiff skin syndrome (SSKS). Identifiers: Orphanet 2833, MedGen C1861456, MONDO:0008492, OMIM 184900.
Ectopia lentis 1, isolated, autosomal dominant (ECTOL1). Identifiers: Orphanet 1885, MedGen C3541518, MONDO:0007514, OMIM 129600.
MASS syndrome (OCTD). Also called: MASS PHENOTYPE; OVERLAP CONNECTIVE TISSUE DISEASE. Identifiers: MedGen C1858556, MONDO:0011431, OMIM 604308.

Allele frequency attached by ClinVar (database versions not stated): gnomAD 0.00001; gnomAD exomes below 0.00001; TOPMed 0.00001; ExAC 0.00001.
gnomAD v4.1: 4 of 1,613,896 alleles (0.00025%); highest among the groups gnomAD compares: African/African-American, 0.0013%; no homozygotes.

Submissions (5):

ARUP Laboratories, Molecular Genetics and Genomics, ARUP Laboratories
Classification: Uncertain significance. Last evaluated: 2025-05-13. Review status: criteria provided, single submitter. Criteria: ARUP Molecular Germline Variant Investigation Process 2024. Collection method: clinical testing. Allele origin: germline.
Comment: The FBN1 c.1373A>G; p.Tyr458Cys variant (rs749133312), to our knowledge, is not reported in the medical literature but is reported in ClinVar (Variation ID: 570815). This variant is only observed on one allele in the Genome Aggregation Database (v2.1.1), indicating it is not a common polymorphism. Additionally, another variant at this codon (c.1373A>C; p.Tyr458Ser) have been reported in individuals with Marfan syndrome (Stheneur 2009). Each EGF-like domain contains six highly-conserved cysteines and the disulfide bridges formed between these residues are essential for protein folding; creation of a novel cysteine may interfere with proper disulfide bridge formation, disrupting protein structure. Accordingly, the revised Ghent nosology for Marfan syndrome lists creation of a cysteine residue as one of the criteria for classification of a variant as pathogenic (Loeys 2010). Computational analyses are uncertain whether this variant is neutral or deleterious (REVEL: 0.454). Given the lack of clinical and functional data, the significance of this variant is uncertain at this time. References: Loeys BL et al. The revised Ghent nosology for the Marfan syndrome. J Med Genet. 2010 Jul;47(7):476-85. PMID: 2059188. Stheneur C et al. Identification of the minimal combination of clinical features in probands for efficient mutation detection in the FBN1 gene. Eur J Hum Genet. 2009 Sep;17(9):1121-8. PMID: 19293843.

Labcorp Genetics (formerly Invitae), Labcorp
Classification: Likely benign for Marfan syndrome; Familial thoracic aortic aneurysm and aortic dissection. Last evaluated: 2024-08-11. Review status: criteria provided, single submitter. Criteria: Invitae Variant Classification Sherloc (09022015). Collection method: clinical testing. Allele origin: germline.

All of Us Research Program, National Institutes of Health
Classification: Uncertain significance for Marfan syndrome. Last evaluated: 2024-07-29. Review status: criteria provided, single submitter. Criteria: ACMG Guidelines, 2015. Collection method: clinical testing. Allele origin: germline. Inheritance: Autosomal dominant inheritance. Observed: 2 variant alleles, 2 heterozygotes.
Comment: This missense variant replaces tyrosine with cysteine at codon 458 of the FBN1 protein. Computational prediction suggests that this variant may not impact protein structure and function (internally defined REVEL score threshold <= 0.5, PMID: 27666373). To our knowledge, functional studies have not been reported for this variant. This variant has not been reported in individuals affected with cardiovascular disorders in the literature. This variant has been identified in 1/251242 chromosomes in the general population by the Genome Aggregation Database (gnomAD). The available evidence is insufficient to determine the role of this variant in disease conclusively. Therefore, this variant is classified as a Variant of Uncertain Significance.

This study involves interpretation of variants in research participants for the purpose of population health screening. Participant phenotype was not available at the time of variant classification. Additional details can be found in publication PMID: 35346344, PMCID: PMC8962531

Color Diagnostics, LLC DBA Color Health
Classification: Uncertain significance for Familial thoracic aortic aneurysm and aortic dissection. Last evaluated: 2024-04-23. Review status: criteria provided, single submitter. Criteria: ACMG Guidelines, 2015. Collection method: clinical testing. Allele origin: germline.
Comment: This missense variant replaces tyrosine with cysteine at codon 458 of the FBN1 protein. Computational prediction tools indicate that this variant has a neutral impact on protein structure and function. To our knowledge, functional studies have not been reported for this variant. This variant has not been reported in individuals affected with FBN1-related disorders in the literature. This variant has been identified in 1/251242 chromosomes in the general population by the Genome Aggregation Database (gnomAD). The available evidence is insufficient to determine the role of this variant in disease conclusively. Therefore, this variant is classified as a Variant of Uncertain Significance.

Women's Health and Genetics/Laboratory Corporation of America, LabCorp
Classification: Uncertain significance. Last evaluated: 2018-10-11. Review status: criteria provided, single submitter. Criteria: LabCorp Variant Classification Summary - May 2015. Collection method: clinical testing. Allele origin: germline.
Comment: Variant summary: FBN1 c.1373A>G (p.Tyr458Cys) results in a non-conservative amino acid change located in the EGF-like calcium-binding domain of the encoded protein sequence. Three of five in-silico tools predict a benign effect of the variant on protein function. The variant of interest creates a cysteine, which are important for proper FBN1 function and the presence of an additional Cysteine could cause alterations to FBN1 function. The variant was absent in 246012 control chromosomes (gnomAD). The available data on variant occurrences in the general population are insufficient to allow any conclusion about variant significance. To our knowledge, no occurrence of c.1373A>G in individuals affected with Marfan Syndrome and no experimental evidence demonstrating its impact on protein function have been reported. A ClinVar submission from a clinical diagnostic laboratory (evaluation after 2014) cites the variant as uncertain significance. Based on the evidence outlined above, the variant was classified as VUS-possibly pathogenic.